The following is an entry in ClinVar:

ClinVar aggregate classification (germline): Likely benign. Review status: criteria provided, multiple submitters, no conflicts (2 of 4 stars). 3 submissions from 3 submitters: Likely benign (3). Last evaluated 2025-08-25.

Allele frequency attached by ClinVar (database versions not stated): ExAC 0.00001; gnomAD exomes 0.00001; gnomAD 0.00013 and 0.00015; TOPMed 0.00028.

Submissions (3):

Labcorp Genetics (formerly Invitae), Labcorp
Classification: Likely benign. Last evaluated: 2025-08-25. Review status: criteria provided, single submitter. Criteria: Invitae Variant Classification Sherloc (09022015). Collection method: clinical testing. Allele origin: germline.

Blueprint Genetics
Classification: Likely benign. Last evaluated: 2024-07-24. Review status: criteria provided, single submitter. Criteria: ACMG Guidelines, 2015. Collection method: clinical testing. Allele origin: germline.

GeneDx
Classification: Likely benign. Last evaluated: 2016-01-20. Review status: criteria provided, single submitter. Criteria: GeneDx Variant Classification (06012015). Collection method: clinical testing. Allele origin: germline. Affected: yes.
Comment: This variant is considered likely benign or benign based on one or more of the following criteria: it is a conservative change, it occurs at a poorly conserved position in the protein, it is predicted to be benign by multiple in silico algorithms, and/or has population frequency not consistent with disease.

NM_001083961.2(WDR62):c.2739+19G>A

Gene: WDR62 (WD repeat domain 62; plus strand). Cytogenetic location: 19q13.12.
Variant type: single nucleotide variant.
Coding change: c.2739+19G>A on transcript NM_001083961.2 (MANE Select); 19 bases into the intron after coding-DNA position 2739, G replaced by A.
Molecular consequence: intron variant.
Genome position (GRCh38, 1-based): chr19:36,099,636, G>A. VCF-style: chr19-36099636-G-A. GRCh37 (hg19) VCF-style: chr19-36590538-G-A.
Other names: c.2739+19G>A (NM_173636.5).
Identifiers: ClinVar variation 378859 (VCV000378859.9), dbSNP rs755895254, ClinGen allele CA9396020.
Genomic context (GRCh38, chr19:36,099,636, plus strand): 5'-GATTCACTGGAGCCACAGAGCCTGGCCAGCCTGCTGAGTGAGGTACACACTTCCACCGCA[G>A]CCTGGCCCATAGCCCCGGCACCGTGACGGCCCCAGGGCCTGGCGCCTTAGGCTGACTCCC-3'